The following is an entry in ClinVar:

NM_004415.4(DSP):c.2036T>C (p.Ile679Thr)

Gene: DSP (desmoplakin; plus strand). Cytogenetic location: 6p24.3.
Variant type: single nucleotide variant.
Coding change: c.2036T>C on transcript NM_004415.4 (MANE Select); coding-DNA position 2036, T replaced by C.
Protein change: p.Ile679Thr; replaces isoleucine 679 with threonine.
Molecular consequence: missense variant.
Genome position (GRCh38, 1-based): chr6:7,571,974, T>C. VCF-style: chr6-7571974-T-C. GRCh37 (hg19) VCF-style: chr6-7572207-T-C.
Other names: p.Ile679Thr; c.2036T>C, p.Ile679Thr (NM_001008844.3, NM_001319034.2); short protein forms I679T.
Identifiers: ClinVar variation 1693906 (VCV001693906.7), dbSNP rs1561690811, ClinGen allele CA362680411.
Genomic context (GRCh38, chr6:7,571,974, plus strand): 5'-GAGAAAATGACAAGCAAGAAACATGGATGCTGATGGAGCTGCAGAAGATTCGCAGGCAGA[T>C]AGAGCACTGCGAGGGCAGGATGACTCTCAAAAACCTCCCTCTAGCAGACCAGGGATCTTC-3'
Protein context (NP_004406.2, residues 669-689): LMELQKIRRQ[Ile679Thr]EHCEGRMTLK

ClinVar aggregate classification (germline): Uncertain significance. Review status: criteria provided, multiple submitters, no conflicts (2 of 4 stars). 4 submissions from 4 submitters: Uncertain significance (4). Last evaluated 2026-08-10.

Conditions:
Cardiovascular phenotype. Identifiers: MedGen CN230736.
Cardiomyopathy (CMYO). Also called: Cardiomyopathies. Identifiers: Orphanet 167848, MedGen C0878544, MONDO:0004994, HP:0001638. Inheritance: Various modes of inheritance.
Arrhythmogenic cardiomyopathy with wooly hair and keratoderma. Also called: PALMOPLANTAR KERATODERMA WITH LEFT VENTRICULAR CARDIOMYOPATHY AND WOOLLY HAIR; Dilated cardiomyopathy with woolly hair and keratoderma; Carvajal syndrome; Arrhythmogenic cardiomyopathy with woolly hair and keratoderma. Identifiers: Orphanet 65282, MedGen C1854063, MONDO:0011581, OMIM 605676.

gnomAD v4.1: 2 of 1,614,180 alleles (0.00012%); highest among the groups gnomAD compares: Non-Finnish European, 0.00017%; no homozygotes.

Submissions (4):

Ambry Genetics
Classification: Uncertain significance for Cardiovascular phenotype. Last evaluated: 2026-08-10. Review status: criteria provided, single submitter. Criteria: Ambry Variant Classification Scheme 2023. Collection method: clinical testing. Allele origin: germline.
Comment: The p.I679T variant (also known as c.2036T>C), located in coding exon 15 of the DSP gene, results from a T to C substitution at nucleotide position 2036. The isoleucine at codon 679 is replaced by threonine, an amino acid with similar properties. This amino acid position is conserved. In addition, this alteration is predicted to be tolerated by in silico analysis. Based on the available evidence, the clinical significance of this variant remains unclear.

Color Diagnostics, LLC DBA Color Health
Classification: Uncertain significance for Cardiomyopathy. Last evaluated: 2025-07-08. Review status: criteria provided, single submitter. Criteria: ACMG Guidelines, 2015. Collection method: clinical testing. Allele origin: germline.
Comment: This missense variant replaces isoleucine with threonine at codon 679 of the DSP protein. Computational prediction suggests that this variant may not impact protein structure and function. To our knowledge, functional studies have not been reported for this variant. This variant has not been reported in individuals affected with DSP-related disorders in the literature. This variant has not been identified in the general population by the Genome Aggregation Database (gnomAD). The available evidence is insufficient to determine the role of this variant in disease conclusively. Therefore, this variant is classified as a Variant of Uncertain Significance.

All of Us Research Program, National Institutes of Health
Classification: Uncertain significance for Arrhythmogenic cardiomyopathy with wooly hair and keratoderma. Last evaluated: 2024-09-23. Review status: criteria provided, single submitter. Criteria: ACMG Guidelines, 2015. Collection method: clinical testing. Allele origin: germline. Inheritance: Autosomal dominant inheritance. Observed: 1 variant allele, 1 heterozygote.
Comment: This study involves interpretation of variants in research participants for the purpose of population health screening. Participant phenotype was not available at the time of variant classification. Additional details can be found in publication PMID: 35346344, PMCID: PMC8962531

Mayo Clinic Laboratories, Mayo Clinic
Classification: Uncertain significance. Last evaluated: 2021-09-08. Review status: criteria provided, single submitter. Criteria: ACMG Guidelines, 2015. Collection method: clinical testing. Allele origin: germline.